The following is an entry in ClinVar:

NM_001174147.2(LMX1B):c.1061C>T (p.Ser354Phe)

Gene: LMX1B (LIM homeobox transcription factor 1 beta; plus strand). Cytogenetic location: 9q33.3.
Variant type: single nucleotide variant.
Coding change: c.1061C>T on transcript NM_001174147.2 (MANE Select); coding-DNA position 1061, C replaced by T.
Protein change: p.Ser354Phe; replaces serine 354 with phenylalanine.
Molecular consequence: missense variant.
Genome position (GRCh38, 1-based): chr9:126,696,303, C>T. VCF-style: chr9-126696303-C-T. GRCh37 (hg19) VCF-style: chr9-129458582-C-T.
Other names: c.1073C>T, p.Ser358Phe (NM_001174146.2); c.1040C>T, p.Ser347Phe (NM_002316.4); short protein forms S347F, S358F, S354F.
Identifiers: ClinVar variation 2466621 (VCV002466621.5), dbSNP rs147035553, ClinGen allele CA5242547.

ClinVar aggregate classification (germline): Uncertain significance. Review status: criteria provided, multiple submitters, no conflicts (2 of 4 stars). 2 submissions from 2 submitters: Uncertain significance (2). Last evaluated 2025-09-09.

Conditions:
Inborn genetic diseases. Identifiers: MedGen C0950123, MeSH D030342.

Allele frequency attached by ClinVar (database versions not stated): ExAC 0.00007; gnomAD 0.00003; gnomAD exomes 0.00003; ESP Exome Variant Server 0.00008; TOPMed 0.00002.
gnomAD v4.1: 51 of 1,613,950 alleles (0.0032%); highest among the groups gnomAD compares: South Asian, 0.049%; no homozygotes.

Submissions (2):

Labcorp Genetics (formerly Invitae), Labcorp
Classification: Uncertain significance. Last evaluated: 2025-09-09. Review status: criteria provided, single submitter. Criteria: Invitae Variant Classification Sherloc (09022015). Collection method: clinical testing. Allele origin: germline.
Comment: This sequence change replaces serine, which is neutral and polar, with phenylalanine, which is neutral and non-polar, at codon 347 of the LMX1B protein (p.Ser347Phe). This variant is present in population databases (rs147035553, gnomAD 0.03%). This missense change has been observed in individual(s) with clinical features of LMX1B-related conditions (PMID: 36646731). This variant is also known as c.1073C>T (p.Ser358Phe). ClinVar contains an entry for this variant (Variation ID: 2466621). Invitae Evidence Modeling of protein sequence and biophysical properties (such as structural, functional, and spatial information, amino acid conservation, physicochemical variation, residue mobility, and thermodynamic stability) indicates that this missense variant is not expected to disrupt LMX1B protein function with a negative predictive value of 80%. In summary, the available evidence is currently insufficient to determine the role of this variant in disease. Therefore, it has been classified as a Variant of Uncertain Significance.

Ambry Genetics
Classification: Uncertain significance for Inborn genetic diseases. Last evaluated: 2023-01-26. Review status: criteria provided, single submitter. Criteria: Ambry Variant Classification Scheme 2023. Collection method: clinical testing. Allele origin: germline.

Literature cited by the submitters: PubMed 36646731 (cited by Labcorp Genetics (formerly Invitae), Labcorp).